The following is an entry in ClinVar:

ClinVar aggregate classification (germline): Benign/Likely benign. Review status: criteria provided, multiple submitters, no conflicts (2 of 4 stars). 8 submissions from 7 submitters: Benign (1); Likely benign (7). Last evaluated 2026-04-01.

Conditions:
Charcot-Marie-Tooth disease axonal type 2O. Also called: Charcot-Marie-Tooth Neuropathy Type 2O; Charcot-Marie-Tooth disease, axonal, type 20; CHARCOT-MARIE-TOOTH NEUROPATHY, AXONAL, TYPE 2O; CHARCOT-MARIE-TOOTH DISEASE, AXONAL, AUTOSOMAL DOMINANT, TYPE 2O. Identifiers: Orphanet 284232, MedGen C3280220, MONDO:0013644, OMIM 614228.
Autosomal dominant cerebellar ataxia. Also called: Spinocerebellar Ataxia, Dominant. Identifiers: Orphanet 99, MedGen C4087347, MONDO:0020380.
Charcot-Marie-Tooth disease. Also called: Charcot-Marie-Tooth Neuropathy; Charcot-Marie-Tooth Hereditary Neuropathy. Identifiers: Orphanet 166, MedGen C0007959, MONDO:0015626.

Allele frequency attached by ClinVar (database versions not stated): gnomAD exomes 0.00008 and 0.00011; ExAC 0.00012; 1000 Genomes Project 0.00020; 1000 Genomes Project 30x 0.00031; gnomAD 0.00001 and 0.00003; TOPMed 0.00001.
gnomAD v4.1: 123 of 1,614,164 alleles (0.0076%); highest among the groups gnomAD compares: Middle Eastern, 0.68%; 4 homozygotes.

Submissions (8):

CeGaT Center for Human Genetics Tuebingen
Classification: Likely benign. Last evaluated: 2026-04-01. Review status: criteria provided, single submitter. Criteria: CeGaT Center For Human Genetics Tuebingen Variant Classification Criteria Version 2. Collection method: clinical testing. Allele origin: germline. Affected: yes. Observed: 2 variant alleles.
Comment: DYNC1H1: BP4, BP7

Labcorp Genetics (formerly Invitae), Labcorp
Classification: Likely benign for Charcot-Marie-Tooth disease axonal type 2O. Last evaluated: 2026-01-21. Review status: criteria provided, single submitter. Criteria: Invitae Variant Classification Sherloc (09022015). Collection method: clinical testing. Allele origin: germline.

Blueprint Genetics
Classification: Likely benign. Last evaluated: 2024-06-12. Review status: criteria provided, single submitter. Criteria: ACMG Guidelines, 2015. Collection method: clinical testing. Allele origin: germline.

GeneDx
Classification: Benign. Last evaluated: 2020-05-26. Review status: criteria provided, single submitter. Criteria: GeneDx Variant Classification Process June 2021. Collection method: clinical testing. Allele origin: germline. Affected: yes.

Illumina Laboratory Services, Illumina
Classification: Likely benign for Charcot-Marie-Tooth disease axonal type 2O. Last evaluated: 2018-01-12. Review status: criteria provided, single submitter. Criteria: ICSL Variant Classification Criteria 13 December 2019. Collection method: clinical testing. Allele origin: germline.
Comment: This variant was observed in the ICSL laboratory as part of a predisposition screen in an ostensibly healthy population. It had not been previously curated by ICSL or reported in the Human Gene Mutation Database (HGMD: prior to June 1st, 2018), and was therefore a candidate for classification through an automated scoring system. Utilizing variant allele frequency, disease prevalence and penetrance estimates, and inheritance mode, an automated score was calculated to assess if this variant is too frequent to cause the disease. Based on the score and internal cut-off values, a variant classified as likely benign is not then subjected to further curation. The score for this variant resulted in a classification of likely benign for this disease.

Illumina Laboratory Services, Illumina
Classification: Likely benign for Spinocerebellar Ataxia, Dominant. Last evaluated: 2018-01-12. Review status: criteria provided, single submitter. Criteria: ICSL Variant Classification Criteria 13 December 2019. Collection method: clinical testing. Allele origin: germline.
Comment: the same text as in the submission from Illumina Laboratory Services, Illumina above.

Breakthrough Genomics
Classification: Likely benign. Review status: criteria provided, single submitter. Criteria: ACMG Guidelines, 2015. Collection method: not provided. Allele origin: germline. Inheritance: Autosomal dominant inheritance. Affected: yes.

Molecular Genetics Laboratory, London Health Sciences Centre
Classification: Likely benign for Charcot-Marie-Tooth disease. Review status: criteria provided, single submitter. Criteria: ACMG Guidelines, 2015. Collection method: clinical testing. Allele origin: germline. Affected: yes.

NM_001376.5(DYNC1H1):c.432G>A (p.Ser144=)

Gene: DYNC1H1 (dynein cytoplasmic 1 heavy chain 1; plus strand). Cytogenetic location: 14q32.31.
Variant type: single nucleotide variant.
Coding change: c.432G>A on transcript NM_001376.5 (MANE Select); coding-DNA position 432, G replaced by A.
Protein change: p.Ser144=; no amino-acid change (serine 144 retained).
Molecular consequence: synonymous variant.
Genome position (GRCh38, 1-based): chr14:101,979,406, G>A. VCF-style: chr14-101979406-G-A. GRCh37 (hg19) VCF-style: chr14-102445743-G-A.
Identifiers: ClinVar variation 312619 (VCV000312619.44), dbSNP rs533327200, ClinGen allele CA7351528.